The following is an entry in ClinVar:

NM_000553.6(WRN):c.3647T>G (p.Leu1216Trp)

Gene: WRN (WRN RecQ like helicase; plus strand). Cytogenetic location: 8p12.
Variant type: single nucleotide variant.
Coding change: c.3647T>G on transcript NM_000553.6 (MANE Select); coding-DNA position 3647, T replaced by G.
Protein change: p.Leu1216Trp; replaces leucine 1216 with tryptophan.
Molecular consequence: missense variant.
Genome position (GRCh38, 1-based): chr8:31,150,415, T>G. VCF-style: chr8-31150415-T-G. GRCh37 (hg19) VCF-style: chr8-31007931-T-G.
Other names: short protein forms L1216W.
Identifiers: ClinVar variation 1042153 (VCV001042153.5), dbSNP rs1803076697, ClinGen allele CA370927893.

ClinVar aggregate classification (germline): Uncertain significance (1 of 4 stars; one submission).

Conditions:
Werner syndrome (WRN). Identifiers: Orphanet 902, MedGen C0043119, MONDO:0010196, OMIM 277700.

Submission:

Labcorp Genetics (formerly Invitae), Labcorp
Classification: Uncertain significance for Werner syndrome. Last evaluated: 2022-02-03. Review status: criteria provided, single submitter. Criteria: Invitae Variant Classification Sherloc (09022015). Collection method: clinical testing. Allele origin: germline.
Comment: In summary, the available evidence is currently insufficient to determine the role of this variant in disease. Therefore, it has been classified as a Variant of Uncertain Significance. Algorithms developed to predict the effect of missense changes on protein structure and function are either unavailable or do not agree on the potential impact of this missense change (SIFT: "Not Available"; PolyPhen-2: "Probably Damaging"; Align-GVGD: "Not Available"). ClinVar contains an entry for this variant (Variation ID: 1042153). This variant has not been reported in the literature in individuals affected with WRN-related conditions. This variant is not present in population databases (gnomAD no frequency). This sequence change replaces leucine, which is neutral and non-polar, with tryptophan, which is neutral and slightly polar, at codon 1216 of the WRN protein (p.Leu1216Trp).